The following is an entry in ClinVar:

ClinVar aggregate classification (germline): Pathogenic. Review status: criteria provided, multiple submitters, no conflicts (2 of 4 stars). 2 submissions from 2 submitters: Pathogenic (2). Last evaluated 2025-06-25.

Conditions:
Hereditary cancer-predisposing syndrome. Also called: Hereditary Cancer Syndrome; Hereditary neoplastic syndrome; Tumor predisposition; Neoplastic Syndromes, Hereditary. Identifiers: Orphanet 140162, MedGen C0027672, MeSH D009386, MONDO:0015356.
Familial adenomatous polyposis 1 (FAP1). Also called: POLYPOSIS, ADENOMATOUS INTESTINAL; FAMILIAL ADENOMATOUS POLYPOSIS 1, ATTENUATED. Identifiers: MedGen C2713442, MONDO:0021056, OMIM 175100. Disease mechanism: loss of function.

Submissions (2):

Ambry Genetics
Classification: Pathogenic for Hereditary cancer-predisposing syndrome. Last evaluated: 2025-06-25. Review status: criteria provided, single submitter. Criteria: Ambry Variant Classification Scheme 2023. Collection method: clinical testing. Allele origin: germline.
Comment: The p.L912* pathogenic mutation (also known as c.2735T>A), located in coding exon 15 of the APC gene, results from a T to A substitution at nucleotide position 2735. This changes the amino acid from a leucine to a stop codon within coding exon 15. This alteration occurs at the 3' terminus of theAPC gene, is not expected to trigger nonsense-mediated mRNA decay, and impacts the last 68% of the protein. However, premature stop codons are typically deleterious in nature, the impacted region is critical for protein function, and a significant portion of the protein is affected (Ambry internal data). This variant was reported in individual(s) with features consistent with APC-related familial adenomatous polyposis (Arslan Ate E et al. Turk J Gastroenterol, 2022 Feb;33:81-87; Ambry internal data). This variant is considered to be rare based on population cohorts in the Genome Aggregation Database (gnomAD). Based on the supporting evidence, this variant is interpreted as a disease-causing mutation.

Institute of Human Genetics, University of Leipzig Medical Center
Classification: Pathogenic for Familial adenomatous polyposis 1. Last evaluated: 2024-12-18. Review status: criteria provided, single submitter. Criteria: ACMG Guidelines, 2015. Collection method: clinical testing. Allele origin: unknown. Inheritance: Autosomal dominant inheritance. Affected: yes.
Comment: Criteria applied: PVS1,PS4_SUP,PM2_SUP

Literature cited by the submitters: PubMed 35238777 (cited by Ambry Genetics).

NM_000038.6(APC):c.2735T>A (p.Leu912Ter)

Gene: APC (APC regulator of Wnt signaling pathway; plus strand). Cytogenetic location: 5q22.2.
Variant type: single nucleotide variant.
Coding change: c.2735T>A on transcript NM_000038.6 (MANE Select); coding-DNA position 2735, T replaced by A.
Protein change: p.Leu912Ter; replaces leucine 912 with a stop codon.
Molecular consequence: nonsense. On other transcripts: non-coding transcript variant (2).
Genome position (GRCh38, 1-based): chr5:112,838,329, T>A. VCF-style: chr5-112838329-T-A. GRCh37 (hg19) VCF-style: chr5-112174026-T-A.
Other names: c.2255T>A, p.Leu752Ter (NM_001354905.2); c.1886T>A, p.Leu629Ter (NM_001354906.2, NM_001407470.1); c.2735T>A, p.Leu912Ter (NM_001127510.3, NM_001354895.2, NM_001407450.1); c.2462T>A, p.Leu821Ter (NM_001354902.2); c.2432T>A, p.Leu811Ter (NM_001354903.2, NM_001407458.1, NM_001407459.1 and 1 more transcripts); c.2357T>A, p.Leu786Ter (NM_001354904.2); c.2681T>A, p.Leu894Ter (NM_001127511.3); c.2789T>A, p.Leu930Ter (NM_001354896.2, NM_001407447.1, NM_001407448.1 and 1 more transcripts); and 12 more; short protein forms L528*, L786*, L853*, L884*, L922*, L871*, L894*, L752*.
Identifiers: ClinVar variation 3572907 (VCV003572907.3).